The following is an entry in ClinVar:

ClinVar aggregate classification (germline): Conflicting classifications of pathogenicity. Review status: criteria provided, conflicting classifications (1 of 4 stars). 2 submissions from 2 submitters: Pathogenic (1); Uncertain significance (1). Last evaluated 2025-07-21.

Conditions:
XPO1-associated Neurodevelopmental Disorder.

Submissions (2):

Genome Diagnostics Laboratory, University Medical Center Utrecht
Classification: Pathogenic for XPO1-associated Neurodevelopmental Disorder. Last evaluated: 2025-07-21. Review status: criteria provided, single submitter. Criteria: ACMG Guidelines, 2015. Collection method: research. Allele origin: germline. Affected: yes.
Comment: ACMG/AMP (Richards et al, 2015): PS2, PM2, PP2, PP3

GeneDx
Classification: Uncertain significance. Last evaluated: 2024-02-27. Review status: criteria provided, single submitter. Criteria: GeneDx Variant Classification Process June 2021. Collection method: clinical testing. Allele origin: germline. Affected: yes.
Comment: In-frame deletion of 1 amino acid in a non-repeat region; Not observed at significant frequency in large population cohorts (gnomAD); In silico analysis supports a deleterious effect on protein structure/function; Has not been previously published as pathogenic or benign to our knowledge; Variants in candidate genes are classified as variants of uncertain significance in accordance with ACMG guidelines (PMID: 25741868)

NM_003400.4(XPO1):c.1640TAG[1] (p.Val548del)

Gene: XPO1 (exportin 1; minus strand). Cytogenetic location: 2p15.
Variant type: Microsatellite.
Coding change: c.1640TAG[1] on transcript NM_003400.4 (MANE Select); one copy of the 3-base unit TAG starting at c.1640; the reference has two copies in a row; one copy, 3 bases deleted; also written c.1643_1645del.
Protein change: p.Val548del; deletes valine 548.
Genome position (GRCh38, 1-based): chr2:61,492,403-61,492,405, CTA deleted on the plus strand (TAG on the coding strand, the reverse complement: XPO1 is on the minus strand); deleting any 3 consecutive bases within chr2:61,492,403-61,492,408 gives the same sequence; the position shown is the placement nearest the transcript's 3' end. VCF-style (leftmost placement, unchanged base first): chr2-61492402-CCTA-C. GRCh37 (hg19) VCF-style: chr2-61719537-CCTA-C.
Other names: c.1643_1645del (NM_003400.3, NM_003400.4); c.1640TAG[1], p.Val548del (NM_001410799.1); short protein forms V548del.
Identifiers: ClinVar variation 4073400 (VCV004073400.2).